The following is an entry in ClinVar:

ClinVar aggregate classification (germline): Uncertain significance (1 of 4 stars; one submission).

Conditions:
Amyotrophic lateral sclerosis type 4 (ALS4). Also called: NEURONOPATHY, DISTAL HEREDITARY MOTOR, WITH PYRAMIDAL FEATURES; AMYOTROPHIC LATERAL SCLEROSIS 4, JUVENILE. Identifiers: Orphanet 357043, MedGen C1865409, MONDO:0011223, OMIM 602433.
Spinocerebellar ataxia, autosomal recessive, with axonal neuropathy 2 (SCAN2). Also called: Ataxia with Oculomotor Apraxia; Ataxia-ocular apraxia-2; ATAXIA-OCULOMOTOR APRAXIA 2; Ataxia with Oculomotor Apraxia Type 2. Identifiers: Orphanet 64753, MedGen C1853761, MONDO:0018996, OMIM 606002.

Submission:

Labcorp Genetics (formerly Invitae), Labcorp
Classification: Uncertain significance for Amyotrophic lateral sclerosis type 4; Spinocerebellar ataxia, autosomal recessive, with axonal neuropathy 2. Last evaluated: 2020-05-05. Review status: criteria provided, single submitter. Criteria: Invitae Variant Classification Sherloc (09022015). Collection method: clinical testing. Allele origin: germline.
Comment: Algorithms developed to predict the effect of missense changes on protein structure and function (SIFT, PolyPhen-2, Align-GVGD) all suggest that this variant is likely to be tolerated, but these predictions have not been confirmed by published functional studies and their clinical significance is uncertain. In summary, the available evidence is currently insufficient to determine the role of this variant in disease. Therefore, it has been classified as a Variant of Uncertain Significance. This sequence change replaces histidine with leucine at codon 839 of the SETX protein (p.His839Leu). The histidine residue is weakly conserved and there is a moderate physicochemical difference between histidine and leucine. This variant has not been reported in the literature in individuals with SETX-related conditions. This variant is not present in population databases (ExAC no frequency).

NM_015046.7(SETX):c.2516A>T (p.His839Leu)

Gene: SETX (senataxin; minus strand). Cytogenetic location: 9q34.13.
Variant type: single nucleotide variant.
Coding change: c.2516A>T on transcript NM_015046.7 (MANE Select); coding-DNA position 2516, A replaced by T.
Protein change: p.His839Leu; replaces histidine 839 with leucine.
Molecular consequence: missense variant.
Genome position (GRCh38, 1-based): chr9:132,329,082, T>A on the plus strand (A>T on the coding strand, the complement: SETX is on the minus strand). VCF-style: chr9-132329082-T-A. GRCh37 (hg19) VCF-style: chr9-135204469-T-A.
Other names: c.2516A>T, p.His839Leu (NM_001351527.2, NM_001351528.2); short protein forms H839L.
Identifiers: ClinVar variation 1021799 (VCV001021799.9), dbSNP rs1847047743, ClinGen allele CA375335624.